The following is an entry in ClinVar:

NM_015272.5(RPGRIP1L):c.3437C>A (p.Ser1146Ter)

Gene: RPGRIP1L (RPGRIP1 like; minus strand). Cytogenetic location: 16q12.2.
Variant type: single nucleotide variant.
Coding change: c.3437C>A on transcript NM_015272.5 (MANE Select); coding-DNA position 3437, C replaced by A.
Protein change: p.Ser1146Ter; replaces serine 1146 with a stop codon.
Molecular consequence: nonsense.
Genome position (GRCh38, 1-based): chr16:53,619,204, G>T on the plus strand (C>A on the coding strand, the complement: RPGRIP1L is on the minus strand). VCF-style: chr16-53619204-G-T. GRCh37 (hg19) VCF-style: chr16-53653116-G-T.
Other names: c.3197C>A, p.Ser1066Ter (NM_001127897.4); c.3299C>A, p.Ser1100Ter (NM_001308334.3); c.3335C>A, p.Ser1112Ter (NM_001330538.2); short protein forms S1066*, S1100*, S1112*, S1146*.
Identifiers: ClinVar variation 4815842 (VCV004815842.1).

ClinVar aggregate classification (germline): Likely pathogenic (1 of 4 stars; one submission).

Conditions:
Joubert syndrome. Also called: Familial aplasia of the vermis; JOUBERT-BOLTSHAUSER SYNDROME; CEREBELLOPARENCHYMAL DISORDER IV. Identifiers: Orphanet 475, MedGen C5979921, MONDO:0018772.

gnomAD v4.1: 1 of 1,612,930 alleles (0.000062%); highest among the groups gnomAD compares: Non-Finnish European, 0.000085%; no homozygotes.

Submission:

Natera, Inc.
Classification: Likely pathogenic for Joubert syndrome. Last evaluated: 2024-10-24. Review status: criteria provided, single submitter. Criteria: Natera Variant Classification Schema (03/2026). Collection method: clinical testing. Allele origin: germline.
Comment: The c.3437C>A variant in RPGRIP1L is a nonsense variant predicted to introduce a stop codon at amino acid 1146. This variant is expected to result in nonsense mediated decay, truncation, or a dysfunctional protein product. This variant is rare in the general population with a frequency below the threshold expected for the associated phenotype(s). Given the available evidence, this variant is classified as Likely Pathogenic.